The following is an entry in ClinVar:

NM_138713.4(NFAT5):c.2694GCA[7] (p.Gln906dup)

Gene: NFAT5 (nuclear factor of activated T cells 5; plus strand). Cytogenetic location: 16q22.1.
Variant type: Microsatellite.
Coding change: c.2694GCA[7] on transcript NM_138713.4 (MANE Select); seven copies in a row of the 3-base unit GCA starting at c.2694; the reference has six copies in a row; one copy, 3 bases duplicated.
Protein change: p.Gln906dup; duplicates glutamine 906.
Molecular consequence: inframe insertion.
Genome position (GRCh38, 1-based): chr16:69,692,534-69,692,536, GCA duplicated; duplicating any 3 consecutive bases within chr16:69,692,517-69,692,536 gives the same sequence; the position shown is the placement nearest the transcript's 3' end. VCF-style (leftmost placement, unchanged base first): chr16-69692516-A-ACAG. GRCh37 (hg19) VCF-style: chr16-69726419-A-ACAG.
Other names: c.2691GCA[7], p.Gln905dup (NM_001113178.3); c.2019GCA[7], p.Gln681dup (NM_001367709.1); c.2640GCA[7], p.Gln888dup (NM_006599.4); c.2412GCA[7], p.Gln812dup (NM_138714.4, NM_173214.3, NM_173215.3).
Identifiers: ClinVar variation 579225 (VCV000579225.32), dbSNP rs369235958, ClinGen allele CA8135794.

ClinVar aggregate classification (germline): Uncertain significance. Review status: criteria provided, multiple submitters, no conflicts (2 of 4 stars). 2 submissions from 2 submitters: Uncertain significance (2). Last evaluated 2025-12-24.

Conditions:
Immunodeficiency. Identifiers: MedGen C0021051, MONDO:0021094, HP:0002721.

Submissions (2):

Labcorp Genetics (formerly Invitae), Labcorp
Classification: Uncertain significance for Immunodeficiency. Last evaluated: 2025-12-24. Review status: criteria provided, single submitter. Criteria: Invitae Variant Classification Sherloc (09022015). Collection method: clinical testing. Allele origin: germline.
Comment: This variant, c.2427_2429dup, results in the insertion of 1 amino acid(s) of the NFAT5 protein (p.Gln812dup), but otherwise preserves the integrity of the reading frame. This variant is present in population databases (rs773250291, gnomAD 0.02%). This variant has not been reported in the literature in individuals affected with NFAT5-related conditions. Experimental studies and prediction algorithms are not available or were not evaluated, and the functional significance of this variant is currently unknown. In summary, the available evidence is currently insufficient to determine the role of this variant in disease. Therefore, it has been classified as a Variant of Uncertain Significance.

CeGaT Center for Human Genetics Tuebingen
Classification: Uncertain significance. Last evaluated: 2022-10-01. Review status: criteria provided, single submitter. Criteria: CeGaT Center For Human Genetics Tuebingen Variant Classification Criteria Version 2. Collection method: clinical testing. Allele origin: germline. Affected: yes. Observed: 1 variant allele.
Comment: NFAT5: PM4:Supporting